The following is an entry in ClinVar:

NM_001134407.3(GRIN2A):c.*5775T>A

Gene: GRIN2A (glutamate ionotropic receptor NMDA type subunit 2A; minus strand). Cytogenetic location: 16p13.2.
Variant type: single nucleotide variant.
Coding change: c.*5775T>A on transcript NM_001134407.3 (MANE Select); 5775 bases downstream of the stop codon, T replaced by A.
Molecular consequence: 3 prime UTR variant.
Genome position (GRCh38, 1-based): chr16:9,757,374, A>T on the plus strand (T>A on the coding strand, the complement: GRIN2A is on the minus strand). VCF-style: chr16-9757374-A-T. GRCh37 (hg19) VCF-style: chr16-9851231-A-T.
Other names: c.*5775T>A (NM_000833.5); c.*5981T>A (NM_001134408.2).
Identifiers: ClinVar variation 321524 (VCV000321524.6), dbSNP rs9933772, ClinGen allele CA10644738.
Genomic context (GRCh38, chr16:9,757,374, plus strand): 5'-CACTAACTCTATTCTCCGGAGTTACTTAAAGGTTTAGGGAAGGACTTTTTTTTTTTTTTT[A>T]AAAAAGGTATGCTCATAGAATCAGATTATTTTTTTTTTCCTGGCTACAACTTTAGTTGTC-3'

ClinVar aggregate classification (germline): Benign. Review status: criteria provided, multiple submitters, no conflicts (2 of 4 stars). 2 submissions from 2 submitters: Benign (2). Last evaluated 2018-01-13.

Conditions:
Landau-Kleffner syndrome (FESD). Also called: EPILEPSY, FOCAL, WITH SPEECH DISORDER AND WITH OR WITHOUT MENTAL RETARDATION; APHASIA, ACQUIRED, WITH EPILEPSY. Identifiers: Orphanet 1945, Orphanet 725, Orphanet 98818, MedGen C0282512, MONDO:0009509, OMIM 245570.

Allele frequency attached by ClinVar (database versions not stated): gnomAD 0.02051; gnomAD exomes 0.02124; TOPMed 0.02490; 1000 Genomes Project 0.03095; 1000 Genomes Project 30x 0.02748.
gnomAD v4.1: 4,255 of 214,554 alleles (2%); highest among the groups gnomAD compares: East Asian, 7.2%; 71 homozygotes.

Submissions (2):

Illumina Laboratory Services, Illumina
Classification: Benign for Landau-Kleffner syndrome. Last evaluated: 2018-01-13. Review status: criteria provided, single submitter. Criteria: ICSL Variant Classification Criteria 13 December 2019. Collection method: clinical testing. Allele origin: germline.
Comment: This variant was observed in the ICSL laboratory as part of a predisposition screen in an ostensibly healthy population. It had not been previously curated by ICSL or reported in the Human Gene Mutation Database (HGMD: prior to June 1st, 2018), and was therefore a candidate for classification through an automated scoring system. Utilizing variant allele frequency, disease prevalence and penetrance estimates, and inheritance mode, an automated score was calculated to assess if this variant is too frequent to cause the disease. Based on the score and internal cut-off values, a variant classified as benign is not then subjected to further curation. The score for this variant resulted in a classification of benign for this disease.

Breakthrough Genomics
Classification: Benign. Review status: criteria provided, single submitter. Criteria: ACMG Guidelines, 2015. Collection method: not provided. Allele origin: germline. Inheritance: Autosomal dominant inheritance. Affected: yes.